The following is an entry in ClinVar:

NM_033087.4(ALG2):c.185A>G (p.Glu62Gly)

Gene: ALG2 (ALG2 alpha-1,3/1,6-mannosyltransferase; minus strand). Cytogenetic location: 9q22.33.
Variant type: single nucleotide variant.
Coding change: c.185A>G on transcript NM_033087.4 (MANE Select); coding-DNA position 185, A replaced by G.
Protein change: p.Glu62Gly; replaces glutamic acid 62 with glycine.
Molecular consequence: missense variant. On other transcripts: non-coding transcript variant (1).
Genome position (GRCh38, 1-based): chr9:99,221,710, T>C on the plus strand (A>G on the coding strand, the complement: ALG2 is on the minus strand). VCF-style: chr9-99221710-T-C. GRCh37 (hg19) VCF-style: chr9-101983992-T-C.
Other names: short protein forms E62G.
Identifiers: ClinVar variation 1500071 (VCV001500071.6), dbSNP rs752153404, ClinGen allele CA5156455.

ClinVar aggregate classification (germline): Uncertain significance (1 of 4 stars; one submission).

Conditions:
Congenital disorder of glycosylation, type Ii. Also called: ALG2-CDG; CDG Ii; ALG2-congenital disorder of glycosylation. Identifiers: Orphanet 79326, MedGen C1842836, MONDO:0011933, OMIM 607906.
Congenital myasthenic syndrome 14. Also called: Myasthenic syndrome, congenital, 14, with tubular aggregates. Identifiers: Orphanet 353327, Orphanet 590, MedGen C4015597, MONDO:0014543, OMIM 616228.

Allele frequency attached by ClinVar (database versions not stated): ExAC 0.00002; gnomAD 0.00005 and 0.00006; TOPMed 0.00006; gnomAD exomes 0.00001 and 0.00003.
gnomAD v4.1: 17 of 1,594,746 alleles (0.0011%); highest among the groups gnomAD compares: Admixed American, 0.022%; no homozygotes.

Submission:

Labcorp Genetics (formerly Invitae), Labcorp
Classification: Uncertain significance for Congenital disorder of glycosylation, type Ii; Congenital myasthenic syndrome 14. Last evaluated: 2022-07-29. Review status: criteria provided, single submitter. Criteria: Invitae Variant Classification Sherloc (09022015). Collection method: clinical testing. Allele origin: germline.
Comment: This sequence change replaces glutamic acid, which is acidic and polar, with glycine, which is neutral and non-polar, at codon 62 of the ALG2 protein (p.Glu62Gly). This variant is present in population databases (rs752153404, gnomAD 0.02%). In summary, the available evidence is currently insufficient to determine the role of this variant in disease. Therefore, it has been classified as a Variant of Uncertain Significance. Algorithms developed to predict the effect of missense changes on protein structure and function (SIFT, PolyPhen-2, Align-GVGD) all suggest that this variant is likely to be disruptive. ClinVar contains an entry for this variant (Variation ID: 1500071). This variant has not been reported in the literature in individuals affected with ALG2-related conditions.